The following is an entry in ClinVar:

ClinVar aggregate classification (germline): Benign/Likely benign. Review status: criteria provided, multiple submitters, no conflicts (2 of 4 stars). 3 submissions from 3 submitters: Benign (1); Likely benign (2). Last evaluated 2025-07-03.

Conditions:
Hereditary cancer-predisposing syndrome. Also called: Neoplastic Syndromes, Hereditary; Tumor predisposition; Hereditary Cancer Syndrome; Hereditary neoplastic syndrome. Identifiers: Orphanet 140162, MedGen C0027672, MeSH D009386, MONDO:0015356.
BAP1-related tumor predisposition syndrome (TPDS1). Also called: COMMON Syndrome; TUMOR PREDISPOSITION SYNDROME 1; BAP1 tumor predisposition syndrome; Tumor susceptibility linked to germline BAP1 mutations. Identifiers: Orphanet 289539, MedGen C3280492, MONDO:0013692, OMIM 614327.

Allele frequency attached by ClinVar (database versions not stated): TOPMed below 0.00001.

Submissions (3):

ARUP Laboratories, Molecular Genetics and Genomics, ARUP Laboratories
Classification: Likely benign. Last evaluated: 2025-07-03. Review status: criteria provided, single submitter. Criteria: ARUP Molecular Germline Variant Investigation Process 2024. Collection method: clinical testing. Allele origin: germline.

Myriad Genetics, Inc.
Classification: Benign for BAP1-related tumor predisposition syndrome. Last evaluated: 2024-07-18. Review status: criteria provided, single submitter. Criteria: Myriad Autosomal Dominant, Autosomal Recessive and X-Linked Classification Criteria (2023). Collection method: clinical testing. Allele origin: unknown.
Comment: This variant is considered benign. This variant is a silent/synonymous amino acid change and it is not expected to impact splicing.

Ambry Genetics
Classification: Likely benign for Hereditary cancer-predisposing syndrome. Last evaluated: 2022-05-21. Review status: criteria provided, single submitter. Criteria: Ambry Variant Classification Scheme 2023. Collection method: clinical testing. Allele origin: germline.

NM_004656.4(BAP1):c.2169C>T (p.Pro723=)

Gene: BAP1 (BRCA1 associated deubiquitinase 1; minus strand). Cytogenetic location: 3p21.1.
Variant type: single nucleotide variant.
Coding change: c.2169C>T on transcript NM_004656.4 (MANE Select); coding-DNA position 2169, C replaced by T.
Protein change: p.Pro723=; no amino-acid change (proline 723 retained).
Molecular consequence: synonymous variant.
Genome position (GRCh38, 1-based): chr3:52,402,309, G>A on the plus strand (C>T on the coding strand, the complement: BAP1 is on the minus strand). VCF-style: chr3-52402309-G-A. GRCh37 (hg19) VCF-style: chr3-52436325-G-A.
Other names: c.2115C>T, p.Pro705= (NM_001410772.1).
Identifiers: ClinVar variation 1787029 (VCV001787029.4), dbSNP rs1578217988, ClinGen allele CA433885791.
Genomic context (GRCh38, chr3:52,402,309, plus strand): 5'-CACGGCAAGAGTGGGCTGCAGAGTCAGGGCCAGCAGTCCTCACTGGCGCTTGGCCTTGTA[G>A]GGGCGAGAGCGTTTCCGCCGGTCAGGCTTCCGCTGCTTGTGGAGCCGGCCGATGCTGACC-3'
Protein context (NP_004647.1, residues 713-729): RKPDRRKRSR[Pro723=]YKAKRQ